The following is an entry in ClinVar:

NM_000093.5(COL5A1):c.1989+1G>C

Gene: COL5A1 (collagen type V alpha 1 chain; plus strand). Cytogenetic location: 9q34.3.
Variant type: single nucleotide variant.
Coding change: c.1989+1G>C on transcript NM_000093.5 (MANE Select); the canonical splice donor site of the intron after coding-DNA position 1989, G replaced by C.
Molecular consequence: splice donor variant.
Genome position (GRCh38, 1-based): chr9:134,761,979, G>C. VCF-style: chr9-134761979-G-C. GRCh37 (hg19) VCF-style: chr9-137653825-G-C.
Other names: c.1989+1G>C (NM_001278074.1).
Identifiers: ClinVar variation 970868 (VCV000970868.11), dbSNP rs1836462685, ClinGen allele CA375446083.
Genomic context (GRCh38, chr9:134,761,979, plus strand): 5'-TCCTAGGGTGACCCTGGTCCTTCCGGCCCACCAGGACCTCCGGGAGACGATGGAGAAAGG[G>C]TAGGTATTCTGCCGTCCCTCCGACTGCTCCTGCCTGCCCTACTCCTCAGTGATTTGGGCA-3'

ClinVar aggregate classification (germline): Pathogenic (1 of 4 stars; one submission).

Conditions:
Ehlers-Danlos syndrome, classic type, 1 (EDSCL1). Also called: EHLERS-DANLOS SYNDROME, GRAVIS TYPE; EHLERS-DANLOS SYNDROME, SEVERE CLASSIC TYPE; EDS I; Ehlers-Danlos Syndrome, Classic Type, COL5A1-Related; Ehlers-Danlos syndrome, type 1. Identifiers: MedGen C0268335, MONDO:0019567, OMIM 130000.

Submission:

Labcorp Genetics (formerly Invitae), Labcorp
Classification: Pathogenic for Ehlers-Danlos syndrome, classic type, 1. Last evaluated: 2019-11-02. Review status: criteria provided, single submitter. Criteria: Invitae Variant Classification Sherloc (09022015). Collection method: clinical testing. Allele origin: germline.
Comment: For these reasons, this variant has been classified as Pathogenic. This sequence change affects a donor splice site in intron 19 of the COL5A1 gene. It is expected to disrupt RNA splicing and likely results in an absent or disrupted protein product. This variant is not present in population databases (ExAC no frequency). Disruption of this splice site has been observed in individual(s) with clinical features of Ehlers Danlos syndromes (PMID: 19370768, Invitae). Donor and acceptor splice site variants typically lead to a loss of protein function (PMID: 16199547), and loss-of-function variants in COL5A1 are known to be pathogenic (PMID: 23587214).

Literature cited by the submitters: PubMed 19370768; PubMed 16199547; PubMed 23587214.